The following is an entry in ClinVar:

NM_000256.3(MYBPC3):c.*3_*15del

Gene: MYBPC3 (myosin binding protein C3; minus strand). Cytogenetic location: 11p11.2.
Variant type: Deletion.
Coding change: c.*3_*15del on transcript NM_000256.3 (MANE Select); 3 bases downstream of the stop codon through 15 bases downstream of the stop codon, 13 bases deleted (AGGCTGGCTCCTG).
Molecular consequence: 3 prime UTR variant.
Genome position (GRCh38, 1-based): chr11:47,331,856-47,331,868, CAGGAGCCAGCCT deleted on the plus strand (AGGCTGGCTCCTG on the coding strand, the reverse complement: MYBPC3 is on the minus strand). VCF-style (leftmost placement, unchanged base first): chr11-47331855-CCAGGAGCCAGCCT-C. GRCh37 (hg19) VCF-style: chr11-47353406-CCAGGAGCCAGCCT-C.
Identifiers: ClinVar variation 927887 (VCV000927887.3), dbSNP rs2095876441, ClinGen allele CA1139659378.

ClinVar aggregate classification (germline): Uncertain significance (1 of 4 stars; one submission).

Conditions:
Cardiomyopathy (CMYO). Also called: Cardiomyopathies. Identifiers: Orphanet 167848, MedGen C0878544, MONDO:0004994, HP:0001638. Inheritance: Various modes of inheritance.

Allele frequency attached by ClinVar (database versions not stated): gnomAD exomes below 0.00001.

Submission:

Color Diagnostics, LLC DBA Color Health
Classification: Uncertain significance for Cardiomyopathy. Last evaluated: 2019-07-20. Review status: criteria provided, single submitter. Criteria: ACMG Guidelines, 2015. Collection method: clinical testing. Allele origin: germline.
Comment: This variant causes a deletion of 13 nucleotides in the 5' untranslated region of the MYBPC3 gene. To our knowledge, functional assays have not been performed for this variant nor has this variant been reported in individuals affected with cardiovascular disorders in the literature. This variant has not been identified in the general population by the Genome Aggregation Database (gnomAD). Available evidence is insufficient to determine the role of this variant in disease conclusively. Therefore, this variant is classified as a Variant of Uncertain Significance.